The following is an entry in ClinVar:

NM_177965.4(CFAP418):c.82G>A (p.Glu28Lys)

Genes: CFAP418 (cilia and flagella associated protein 418; minus strand), CFAP418-AS1 (CFAP418 antisense RNA 1; plus strand), LOC130000784 (ATAC-STARR-seq lymphoblastoid active region 27655; plus strand). Cytogenetic location: 8q22.1.
Variant type: single nucleotide variant.
Coding change: c.82G>A on transcript NM_177965.4 (MANE Select); coding-DNA position 82, G replaced by A.
Protein change: p.Glu28Lys; replaces glutamic acid 28 with lysine.
Molecular consequence: missense variant.
Genome position (GRCh38, 1-based): chr8:95,269,108, C>T on the plus strand (G>A on the coding strand, the complement: CFAP418 is on the minus strand). VCF-style: chr8-95269108-C-T. GRCh37 (hg19) VCF-style: chr8-96281336-C-T.
Other names: c.82G>A, p.Glu28Lys (NM_001363260.1); short protein forms E28K.
Identifiers: ClinVar variation 1681153 (VCV001681153.6), dbSNP rs768222931, ClinGen allele CA4815279.

ClinVar aggregate classification (germline): Uncertain significance. Review status: criteria provided, multiple submitters, no conflicts (2 of 4 stars). 2 submissions from 2 submitters: Uncertain significance (2). Last evaluated 2024-02-24.

Conditions:
Bardet-biedl syndrome 21. Identifiers: MedGen C4319932, MONDO:0044308, OMIM 617406.
Retinitis pigmentosa (RP). Identifiers: Orphanet 791, MedGen C0035334, MeSH D012174, MONDO:0019200, OMIM 268000. Inheritance: Autosomal dominant, autosomal recessive and X linked inheritance.
Cone-rod dystrophy 16 (CORD16). Identifiers: MedGen C3281045, MONDO:0013786, OMIM 614500.

Allele frequency attached by ClinVar (database versions not stated): ExAC 0.00005; TOPMed 0.00005; gnomAD 0.00006.
gnomAD v4.1: 90 of 1,614,040 alleles (0.0056%); highest among the groups gnomAD compares: Non-Finnish European, 0.0074%; no homozygotes.

Submissions (2):

Labcorp Genetics (formerly Invitae), Labcorp
Classification: Uncertain significance. Last evaluated: 2024-02-24. Review status: criteria provided, single submitter. Criteria: Invitae Variant Classification Sherloc (09022015). Collection method: clinical testing. Allele origin: germline.
Comment: This sequence change replaces glutamic acid, which is acidic and polar, with lysine, which is basic and polar, at codon 28 of the C8orf37 protein (p.Glu28Lys). This variant is present in population databases (rs768222931, gnomAD 0.006%). This variant has not been reported in the literature in individuals affected with C8orf37-related conditions. ClinVar contains an entry for this variant (Variation ID: 1681153). Algorithms developed to predict the effect of missense changes on protein structure and function output the following: SIFT: "Not Available"; PolyPhen-2: "Benign"; Align-GVGD: "Not Available". The lysine amino acid residue is found in multiple mammalian species, which suggests that this missense change does not adversely affect protein function. In summary, the available evidence is currently insufficient to determine the role of this variant in disease. Therefore, it has been classified as a Variant of Uncertain Significance.

Fulgent Genetics
Classification: Uncertain significance for Retinitis pigmentosa; Cone-rod dystrophy 16; Bardet-biedl syndrome 21. Last evaluated: 2021-10-14. Review status: criteria provided, single submitter. Criteria: ACMG Guidelines, 2015. Collection method: clinical testing. Allele origin: unknown.